The following is an entry in ClinVar:

NM_006306.4(SMC1A):c.2369G>A (p.Arg790Gln)

Genes: MIR6857 (microRNA 6857; minus strand), SMC1A (structural maintenance of chromosomes 1A; minus strand). Cytogenetic location: Xp11.22.
Variant type: single nucleotide variant.
Coding change: c.2369G>A on transcript NM_006306.4 (MANE Select); coding-DNA position 2369, G replaced by A.
Protein change: p.Arg790Gln; replaces arginine 790 with glutamine.
Molecular consequence: missense variant.
Genome position (GRCh38, 1-based): chrX:53,403,617, C>T on the plus strand (G>A on the coding strand, the complement: SMC1A is on the minus strand). VCF-style: chrX-53403617-C-T. GRCh37 (hg19) VCF-style: chrX-53430549-C-T.
Other names: c.2303G>A, p.Arg768Gln (NM_001281463.1); short protein forms R768Q, R790Q.
Identifiers: ClinVar variation 212267 (VCV000212267.15), dbSNP rs797045993, ClinGen allele CA277329.
Genomic context (GRCh38, chrX:53,403,617, plus strand): 5'-CCCACCTACCGCTTCTTGGCGATTTCATTCTGCCGTTTCACCTTTTCTTCCTCAAACTCC[C>T]GGATGTTGCGCACACCAATCTCCCGACAAAACTCTTCAAACACCTCATCCTCTACCTGAG-3'
Protein context (NP_006297.2, residues 780-800): FCREIGVRNI[Arg790Gln]EFEEEKVKRQ

ClinVar aggregate classification (germline): Pathogenic. Review status: criteria provided, multiple submitters, no conflicts (2 of 4 stars). 4 submissions from 4 submitters: Pathogenic (3). 1 of the submissions does not count toward it. Last evaluated 2025-10-21.

Conditions:
Congenital muscular hypertrophy-cerebral syndrome (CDLS2). Also called: Cornelia de Lange syndrome 2; SMC1A-Related Cornelia de Lange Syndrome. Identifiers: Orphanet 199, MedGen C1802395, MONDO:0010370, OMIM 300590.
SMC1A-related disorder. Also called: SMC1A-related condition.

Submissions (4):

Institute of Medical Genetics and Applied Genomics, University Hospital Tübingen
Classification: Pathogenic for Congenital muscular hypertrophy-cerebral syndrome. Last evaluated: 2025-10-21. Review status: criteria provided, single submitter. Criteria: ACMG Guidelines, 2015. Collection method: clinical testing. Allele origin: de novo. Inheritance: X-linked dominant inheritance. Affected: yes.

Labcorp Genetics (formerly Invitae), Labcorp
Classification: Pathogenic for Congenital muscular hypertrophy-cerebral syndrome. Last evaluated: 2017-05-30. Review status: criteria provided, single submitter. Criteria: Invitae Variant Classification Sherloc (09022015). Collection method: clinical testing. Allele origin: germline.
Comment: This variant is not present in population databases (rs797045993, ExAC no frequency). For these reasons, this variant has been classified as Pathogenic. Algorithms developed to predict the effect of sequence changes on RNA splicing suggest that this variant may alter RNA splicing, but this prediction has not been confirmed by published transcriptional studies. Algorithms developed to predict the effect of missense changes on protein structure and function do not agree on the potential impact of this missense change (SIFT: "Deleterious"; PolyPhen-2: "Probably Damaging"; Align-GVGD: "Class C0"). This variant has been reported as de novo in two individuals affected with Cornelia de Lange syndrome (PMID: 17273969, Invitae). ClinVar contains an entry for this variant (Variation ID: 212267). This sequence change replaces arginine with glutamine at codon 790 of the SMC1A protein (p.Arg790Gln). The arginine residue is highly conserved and there is a small physicochemical difference between arginine and glutamine.

Genetic Services Laboratory, University of Chicago
Classification: Pathogenic for Cornelia de Lange syndrome 2. Last evaluated: 2014-11-26. Review status: criteria provided, single submitter. Criteria: ACMG Guidelines, 2015. Collection method: clinical testing. Allele origin: germline. Affected: yes.

PreventionGenetics, part of Exact Sciences
Classification: Pathogenic for SMC1A-related condition. Last evaluated: 2024-03-11. Review status: no assertion criteria provided. Collection method: clinical testing. Allele origin: germline. Not counted in ClinVar's aggregate classification.
Comment: The SMC1A c.2369G>A variant is predicted to result in the amino acid substitution p.Arg790Gln. This variant was reported in individuals with Cornelia de Lange syndrome (Deardorff et al. 2007. PubMed ID: 17273969; Table 3, Pablo et al. 2021. PubMed ID: 34717699) and in a cohort of individuals with autism spectrum disorder (ASD, Supplementary Data 1, Zhou et al. 2022. PubMed ID: 35982159). This variant has not been reported in a large population database, indicating this variant is rare. This variant is interpreted as pathogenic.

Literature cited by the submitters: PubMed 17273969 (cited by Labcorp Genetics (formerly Invitae), Labcorp).